The following is an entry in ClinVar:

ClinVar aggregate classification (germline): Uncertain significance (1 of 4 stars; one submission).

Conditions:
Wilms tumor 1 (WT1). Also called: Wilms tumor, somatic. Identifiers: Orphanet 654, MedGen CN033288, MONDO:0008679, OMIM 194070.

Submission:

Labcorp Genetics (formerly Invitae), Labcorp
Classification: Uncertain significance for Wilms tumor 1. Last evaluated: 2022-08-05. Review status: criteria provided, single submitter. Criteria: Invitae Variant Classification Sherloc (09022015). Collection method: clinical testing. Allele origin: germline.
Comment: In summary, the available evidence is currently insufficient to determine the role of this variant in disease. Therefore, it has been classified as a Variant of Uncertain Significance. Experimental studies and prediction algorithms are not available or were not evaluated, and the functional significance of this variant is currently unknown. This variant has not been reported in the literature in individuals affected with GPC3-related conditions. This variant results in a copy number gain of the genomic region encompassing exon(s) 1-7 of the GPC3 gene. This region includes the initiator codon of the gene. This copy number gain extends beyond the assayed region for this gene and therefore may encompass additional genes. As the precise location of this event is unknown, it may be in tandem or it may be located elsewhere in the genome.

NC_000023.10:g.(?_132730458)_(133119476_?)dup

Gene: GPC3 (glypican 3; minus strand). Cytogenetic location: Xq26.2.
Variant type: Duplication.
Identifiers: ClinVar variation 2425134 (VCV002425134.6).